The following is an entry in ClinVar:

NM_001085458.2(CTNND1):c.1132C>T (p.Arg378Cys)

Genes: CTNND1 (catenin delta 1; plus strand), TMX2-CTNND1 (TMX2-CTNND1 readthrough (NMD candidate); plus strand). Cytogenetic location: 11q12.1.
Variant type: single nucleotide variant.
Coding change: c.1132C>T on transcript NM_001085458.2 (MANE Select); coding-DNA position 1132, C replaced by T.
Protein change: p.Arg378Cys; replaces arginine 378 with cysteine.
Molecular consequence: missense variant. On other transcripts: non-coding transcript variant (1).
Genome position (GRCh38, 1-based): chr11:57,801,908, C>T. VCF-style: chr11-57801908-C-T. GRCh37 (hg19) VCF-style: chr11-57569380-C-T.
Other names: c.1132C>T, p.Arg378Cys (NM_001085459.2, NM_001085460.2, NM_001085461.2 and 3 more transcripts); c.829C>T, p.Arg277Cys (NM_001085463.2, NM_001085464.2, NM_001085465.2 and 5 more transcripts); c.970C>T, p.Arg324Cys (NM_001206883.2, NM_001206884.2, NM_001206886.2 and 4 more transcripts); short protein forms R277C, R324C, R378C.
Identifiers: ClinVar variation 3365137 (VCV003365137.1).

ClinVar aggregate classification (germline): Uncertain significance (1 of 4 stars; one submission).

gnomAD v4.1: 9 of 1,613,862 alleles (0.00056%); highest among the groups gnomAD compares: East Asian, 0.0045%; no homozygotes.

Submission:

GeneDx
Classification: Uncertain significance. Last evaluated: 2023-11-29. Review status: criteria provided, single submitter. Criteria: GeneDx Variant Classification Process June 2021. Collection method: clinical testing. Allele origin: germline. Affected: yes.
Comment: Not observed at significant frequency in large population cohorts (gnomAD); In silico analysis supports that this missense variant has a deleterious effect on protein structure/function; Has not been previously published as pathogenic or benign to our knowledge